The following is an entry in ClinVar:

ClinVar aggregate classification (germline): Likely benign (0 of 4 stars; one submission).

Conditions:
MMP21-related disorder. Also called: MMP21-related condition.

gnomAD v4.1: 1 of 1,525,940 alleles (0.000066%); no homozygotes.

Submission:

PreventionGenetics, part of Exact Sciences
Classification: Likely benign for MMP21-related condition. Last evaluated: 2023-08-09. Review status: no assertion criteria provided. Collection method: clinical testing. Allele origin: germline.
Comment: This variant is classified as likely benign based on ACMG/AMP sequence variant interpretation guidelines (Richards et al. 2015 PMID: 25741868, with internal and published modifications).

NM_147191.1(MMP21):c.510C>A (p.Ala170=)

Gene: MMP21 (matrix metallopeptidase 21; minus strand). Cytogenetic location: 10q26.2.
Variant type: single nucleotide variant.
Coding change: c.510C>A on transcript NM_147191.1 (MANE Select); coding-DNA position 510, C replaced by A.
Protein change: p.Ala170=; no amino-acid change (alanine 170 retained).
Molecular consequence: synonymous variant.
Genome position (GRCh38, 1-based): chr10:125,774,018, G>T on the plus strand (C>A on the coding strand, the complement: MMP21 is on the minus strand). VCF-style: chr10-125774018-G-T. GRCh37 (hg19) VCF-style: chr10-127462587-G-T.
Identifiers: ClinVar variation 3053446 (VCV003053446.2), dbSNP rs989475335, ClinGen allele CA471953631.